The following is an entry in ClinVar:

NM_000368.5(TSC1):c.221A>G (p.Asp74Gly)

Gene: TSC1 (TSC complex subunit 1; minus strand). Cytogenetic location: 9q34.13.
Variant type: single nucleotide variant.
Coding change: c.221A>G on transcript NM_000368.5 (MANE Select); coding-DNA position 221, A replaced by G.
Protein change: p.Asp74Gly; replaces aspartic acid 74 with glycine.
Molecular consequence: missense variant. On other transcripts: 5 prime UTR variant (1), intron variant (1).
Genome position (GRCh38, 1-based): chr9:132,925,729, T>C on the plus strand (A>G on the coding strand, the complement: TSC1 is on the minus strand). VCF-style: chr9-132925729-T-C. GRCh37 (hg19) VCF-style: chr9-135801116-T-C.
Other names: c.221A>G, p.Asp74Gly (NM_001162426.2); c.-143A>G (NM_001362177.2); c.210+1472A>G (NM_001162427.2); short protein forms D74G.
Identifiers: ClinVar variation 1036630 (VCV001036630.10), dbSNP rs1846821741, ClinGen allele CA375374848.

ClinVar aggregate classification (germline): Uncertain significance. Review status: criteria provided, multiple submitters, no conflicts (2 of 4 stars). 3 submissions from 3 submitters: Uncertain significance (3). Last evaluated 2025-04-01.

Conditions:
Hereditary cancer-predisposing syndrome. Also called: Neoplastic Syndromes, Hereditary; Hereditary Cancer Syndrome; Tumor predisposition; Hereditary neoplastic syndrome. Identifiers: Orphanet 140162, MedGen C0027672, MeSH D009386, MONDO:0015356.
Tuberous sclerosis 1 (TSC1). Identifiers: Orphanet 805, MedGen C1854465, MONDO:0008612, OMIM 191100.

Submissions (3):

GeneDx
Classification: Uncertain significance. Last evaluated: 2025-04-01. Review status: criteria provided, single submitter. Criteria: GeneDx Variant Classification Process June 2021. Collection method: clinical testing. Allele origin: germline. Affected: yes.
Comment: Not observed at significant frequency in large population cohorts (gnomAD); In silico analysis supports that this missense variant has a deleterious effect on protein structure/function; Has not been previously published as pathogenic or benign to our knowledge

Labcorp Genetics (formerly Invitae), Labcorp
Classification: Uncertain significance for Tuberous sclerosis 1. Last evaluated: 2024-09-23. Review status: criteria provided, single submitter. Criteria: Invitae Variant Classification Sherloc (09022015). Collection method: clinical testing. Allele origin: germline.
Comment: This sequence change replaces aspartic acid, which is acidic and polar, with glycine, which is neutral and non-polar, at codon 74 of the TSC1 protein (p.Asp74Gly). This variant is not present in population databases (gnomAD no frequency). This variant has not been reported in the literature in individuals affected with TSC1-related conditions. ClinVar contains an entry for this variant (Variation ID: 1036630). Invitae Evidence Modeling of protein sequence and biophysical properties (such as structural, functional, and spatial information, amino acid conservation, physicochemical variation, residue mobility, and thermodynamic stability) indicates that this missense variant is not expected to disrupt TSC1 protein function with a negative predictive value of 95%. Algorithms developed to predict the effect of sequence changes on RNA splicing suggest that this variant may disrupt the consensus splice site. In summary, the available evidence is currently insufficient to determine the role of this variant in disease. Therefore, it has been classified as a Variant of Uncertain Significance.

Ambry Genetics
Classification: Uncertain significance for Hereditary cancer-predisposing syndrome. Last evaluated: 2022-04-22. Review status: criteria provided, single submitter. Criteria: Ambry Variant Classification Scheme 2023. Collection method: clinical testing. Allele origin: germline.
Comment: The p.D74G variant (also known as c.221A>G), located in coding exon 3 of the TSC1 gene, results from an A to G substitution at nucleotide position 221. The aspartic acid at codon 74 is replaced by glycine, an amino acid with similar properties. This amino acid position is conserved. In addition, this alteration is predicted to be deleterious by in silico analysis. Since supporting evidence is limited at this time, the clinical significance of this alteration remains unclear.